The following is an entry in ClinVar:

ClinVar aggregate classification (germline): Uncertain significance. Review status: criteria provided, multiple submitters, no conflicts (2 of 4 stars). 2 submissions from 2 submitters: Uncertain significance (2). Last evaluated 2022-04-19.

Conditions:
Gastrointestinal stromal tumor. Also called: Gastrointestinal stroma tumor; Gastrointestinal stromal tumor, somatic. Identifiers: Orphanet 44890, MedGen C0238198, MeSH D046152, MONDO:0011719, OMIM 606764, HP:0100723.
Hereditary cancer-predisposing syndrome. Also called: Tumor predisposition; Hereditary Cancer Syndrome; Hereditary neoplastic syndrome; Neoplastic Syndromes, Hereditary. Identifiers: Orphanet 140162, MedGen C0027672, MeSH D009386, MONDO:0015356.

Allele frequency attached by ClinVar (database versions not stated): ExAC 0.00001.

Submissions (2):

Ambry Genetics
Classification: Uncertain significance for Hereditary cancer-predisposing syndrome. Last evaluated: 2022-04-19. Review status: criteria provided, single submitter. Criteria: Ambry Variant Classification Scheme 2023. Collection method: clinical testing. Allele origin: germline.
Comment: The p.T320I variant (also known as c.959C>T), located in coding exon 6 of the PDGFRA gene, results from a C to T substitution at nucleotide position 959. The threonine at codon 320 is replaced by isoleucine, an amino acid with similar properties. This amino acid position is conserved. In addition, this alteration is predicted to be tolerated by in silico analysis. Since supporting evidence is limited at this time, the clinical significance of this alteration remains unclear.

Labcorp Genetics (formerly Invitae), Labcorp
Classification: Uncertain significance for Gastrointestinal stromal tumor. Last evaluated: 2021-06-26. Review status: criteria provided, single submitter. Criteria: Invitae Variant Classification Sherloc (09022015). Collection method: clinical testing. Allele origin: germline.
Comment: In summary, the available evidence is currently insufficient to determine the role of this variant in disease. Therefore, it has been classified as a Variant of Uncertain Significance. Algorithms developed to predict the effect of missense changes on protein structure and function (SIFT, PolyPhen-2, Align-GVGD) all suggest that this variant is likely to be tolerated, but these predictions have not been confirmed by published functional studies and their clinical significance is uncertain. This variant has not been reported in the literature in individuals with PDGFRA-related conditions. The frequency data for this variant in the population databases is considered unreliable, as metrics indicate poor data quality at this position in the ExAC database. This sequence change replaces threonine with isoleucine at codon 320 of the PDGFRA protein (p.Thr320Ile). The threonine residue is weakly conserved and there is a moderate physicochemical difference between threonine and isoleucine.

NM_006206.6(PDGFRA):c.959C>T (p.Thr320Ile)

Gene: PDGFRA (platelet derived growth factor receptor alpha; plus strand). Cytogenetic location: 4q12.
Variant type: single nucleotide variant.
Coding change: c.959C>T on transcript NM_006206.6 (MANE Select); coding-DNA position 959, C replaced by T.
Protein change: p.Thr320Ile; replaces threonine 320 with isoleucine.
Molecular consequence: missense variant.
Genome position (GRCh38, 1-based): chr4:54,267,579, C>T. VCF-style: chr4-54267579-C-T. GRCh37 (hg19) VCF-style: chr4-55133746-C-T.
Other names: c.959C>T, p.Thr320Ile (NM_001347827.2, NM_001347829.2); c.1034C>T, p.Thr345Ile (NM_001347828.2); c.998C>T, p.Thr333Ile (NM_001347830.2); short protein forms T320I, T333I, T345I.
Identifiers: ClinVar variation 1426238 (VCV001426238.11), dbSNP rs779626645, ClinGen allele CA2922440.
Genomic context (GRCh38, chr4:54,267,579, plus strand): 5'-ATCATTATTTAATGGAAACTCTTCCCTGTACAGAGAAAGGTTTCATTGAAATCAAACCCA[C>T]CTTCAGCCAGTTGGAAGCTGTCAACCTGCATGAAGTCAAACATTTTGTTGTAGAGGTGCG-3'
Protein context (NP_006197.1, residues 310-330): HEKGFIEIKP[Thr320Ile]FSQLEAVNLH